The following is an entry in ClinVar:

NM_007035.4(KERA):c.660A>G (p.Leu220=)

Gene: KERA (keratocan; minus strand). Cytogenetic location: 12q21.33.
Variant type: single nucleotide variant.
Coding change: c.660A>G on transcript NM_007035.4 (MANE Select); coding-DNA position 660, A replaced by G.
Protein change: p.Leu220=; no amino-acid change (leucine 220 retained).
Molecular consequence: synonymous variant.
Genome position (GRCh38, 1-based): chr12:91,055,622, T>C on the plus strand (A>G on the coding strand, the complement: KERA is on the minus strand). VCF-style: chr12-91055622-T-C. GRCh37 (hg19) VCF-style: chr12-91449399-T-C.
Identifiers: ClinVar variation 2643215 (VCV002643215.24), dbSNP rs2499552919, ClinGen allele CA481306525.

ClinVar aggregate classification (germline): Likely benign (1 of 4 stars; one submission).

Submission:

CeGaT Center for Human Genetics Tuebingen
Classification: Likely benign. Last evaluated: 2023-02-01. Review status: criteria provided, single submitter. Criteria: CeGaT Center For Human Genetics Tuebingen Variant Classification Criteria Version 2. Collection method: clinical testing. Allele origin: germline. Affected: yes. Observed: 1 variant allele.
Comment: KERA: PM2:Supporting, BP4, BP7